The following is an entry in ClinVar:

ClinVar aggregate classification (germline): Uncertain significance. Review status: criteria provided, multiple submitters, no conflicts (2 of 4 stars). 2 submissions from 2 submitters: Uncertain significance (2). Last evaluated 2024-05-24.

Conditions:
Hereditary nonpolyposis colorectal neoplasms. Identifiers: MedGen C0009405, MeSH D003123.
Hereditary cancer-predisposing syndrome. Also called: Tumor predisposition; Neoplastic Syndromes, Hereditary; Hereditary neoplastic syndrome; Hereditary Cancer Syndrome. Identifiers: Orphanet 140162, MedGen C0027672, MeSH D009386, MONDO:0015356.

Allele frequency attached by ClinVar (database versions not stated): gnomAD exomes below 0.00001.
gnomAD v4.1: 4 of 1,614,086 alleles (0.00025%); highest among the groups gnomAD compares: Non-Finnish European, 0.00034%; no homozygotes.

Submissions (2):

Ambry Genetics
Classification: Uncertain significance for Hereditary cancer-predisposing syndrome. Last evaluated: 2024-05-24. Review status: criteria provided, single submitter. Criteria: Ambry Variant Classification Scheme 2023. Collection method: clinical testing. Allele origin: germline.
Comment: The p.Q244H variant (also known as c.732A>C), located in coding exon 4 of the MSH6 gene, results from an A to C substitution at nucleotide position 732. The glutamine at codon 244 is replaced by histidine, an amino acid with highly similar properties. This amino acid position is conserved. In addition, the in silico prediction for this alteration is inconclusive. Based on the available evidence, the clinical significance of this variant remains unclear.

Labcorp Genetics (formerly Invitae), Labcorp
Classification: Uncertain significance for Hereditary nonpolyposis colorectal neoplasms. Last evaluated: 2023-05-07. Review status: criteria provided, single submitter. Criteria: Invitae Variant Classification Sherloc (09022015). Collection method: clinical testing. Allele origin: germline.
Comment: This sequence change replaces glutamine, which is neutral and polar, with histidine, which is basic and polar, at codon 244 of the MSH6 protein (p.Gln244His). This variant is not present in population databases (gnomAD no frequency). This variant has not been reported in the literature in individuals affected with MSH6-related conditions. ClinVar contains an entry for this variant (Variation ID: 1019926). Advanced modeling of protein sequence and biophysical properties (such as structural, functional, and spatial information, amino acid conservation, physicochemical variation, residue mobility, and thermodynamic stability) performed at Invitae indicates that this missense variant is not expected to disrupt MSH6 protein function. In summary, the available evidence is currently insufficient to determine the role of this variant in disease. Therefore, it has been classified as a Variant of Uncertain Significance.

NM_000179.3(MSH6):c.732A>C (p.Gln244His)

Gene: MSH6 (mutS homolog 6; plus strand). Cytogenetic location: 2p16.3.
Variant type: single nucleotide variant.
Coding change: c.732A>C on transcript NM_000179.3 (MANE Select); coding-DNA position 732, A replaced by C.
Protein change: p.Gln244His; replaces glutamine 244 with histidine.
Molecular consequence: missense variant. On other transcripts: 5 prime UTR variant (2).
Genome position (GRCh38, 1-based): chr2:47,798,715, A>C. VCF-style: chr2-47798715-A-C. GRCh37 (hg19) VCF-style: chr2-48025854-A-C.
Other names: c.342A>C, p.Gln114His (NM_001281492.2); c.-175A>C (NM_001281493.2, NM_001281494.2); c.732A>C (NM_000179.2); short protein forms Q114H, Q244H.
Identifiers: ClinVar variation 1019926 (VCV001019926.10), dbSNP rs774496371, ClinGen allele CA346740042.